The following is an entry in ClinVar:

ClinVar aggregate classification (germline): Likely benign. Review status: criteria provided, multiple submitters, no conflicts (2 of 4 stars). 2 submissions from 2 submitters: Likely benign (2). Last evaluated 2024-05-29.

Conditions:
Catecholaminergic polymorphic ventricular tachycardia 1. Also called: VENTRICULAR TACHYCARDIA, CATECHOLAMINERGIC POLYMORPHIC, 1, WITH OR WITHOUT ATRIAL DYSFUNCTION AND/OR DILATED CARDIOMYOPATHY; RYR2-Related Catecholaminergic Polymorphic Ventricular Tachycardia; VENTRICULAR TACHYCARDIA, STRESS-INDUCED POLYMORPHIC 1. Identifiers: Orphanet 3286, MedGen C1631597, MONDO:0011484, OMIM 604772.

Allele frequency attached by ClinVar (database versions not stated): gnomAD exomes below 0.00001; ExAC 0.00001.
gnomAD v4.1: 1 of 1,590,616 alleles (0.000063%); highest among the groups gnomAD compares: Non-Finnish European, 0.000086%; no homozygotes.

Submissions (2):

Labcorp Genetics (formerly Invitae), Labcorp
Classification: Likely benign for Catecholaminergic polymorphic ventricular tachycardia 1. Last evaluated: 2024-05-29. Review status: criteria provided, single submitter. Criteria: Invitae Variant Classification Sherloc (09022015). Collection method: clinical testing. Allele origin: germline.

GeneDx
Classification: Likely benign. Last evaluated: 2017-11-03. Review status: criteria provided, single submitter. Criteria: GeneDx Variant Classification (06012015). Collection method: clinical testing. Allele origin: germline. Affected: yes.
Comment: This variant is considered likely benign or benign based on one or more of the following criteria: it is a conservative change, it occurs at a poorly conserved position in the protein, it is predicted to be benign by multiple in silico algorithms, and/or has population frequency not consistent with disease.

NM_001035.3(RYR2):c.11784C>T (p.Cys3928=)

Gene: RYR2 (ryanodine receptor 2; plus strand). Cytogenetic location: 1q43.
Variant type: single nucleotide variant.
Coding change: c.11784C>T on transcript NM_001035.3 (MANE Select); coding-DNA position 11784, C replaced by T.
Protein change: p.Cys3928=; no amino-acid change (cysteine 3928 retained).
Molecular consequence: synonymous variant.
Genome position (GRCh38, 1-based): chr1:237,778,674, C>T. VCF-style: chr1-237778674-C-T. GRCh37 (hg19) VCF-style: chr1-237941974-C-T.
Other names: c.11784C>T, p.Cys3928= (LRG_402t1).
Identifiers: ClinVar variation 513008 (VCV000513008.11), dbSNP rs764651068, ClinGen allele CA085062.